The following is an entry in ClinVar:

NM_020708.5(SLC12A5):c.2885A>G (p.Asp962Gly)

Gene: SLC12A5 (solute carrier family 12 member 5; plus strand). Cytogenetic location: 20q13.12.
Variant type: single nucleotide variant.
Coding change: c.2885A>G on transcript NM_020708.5 (MANE Select); coding-DNA position 2885, A replaced by G.
Protein change: p.Asp962Gly; replaces aspartic acid 962 with glycine.
Molecular consequence: missense variant.
Genome position (GRCh38, 1-based): chr20:46,056,247, A>G. VCF-style: chr20-46056247-A-G. GRCh37 (hg19) VCF-style: chr20-44684886-A-G.
Other names: c.2954A>G, p.Asp985Gly (NM_001134771.2); short protein forms D962G, D985G.
Identifiers: ClinVar variation 653443 (VCV000653443.9), dbSNP rs1284519025, ClinGen allele CA409207480.

ClinVar aggregate classification (germline): Uncertain significance (1 of 4 stars; one submission).

Conditions:
Developmental and epileptic encephalopathy, 34 (DEE34). Also called: Early infantile epileptic encephalopathy 34; SLC12A5-Related Epilepsy of Infancy with Migrating Focal Seizures. Identifiers: Orphanet 293181, MedGen C4225257, MONDO:0014718, OMIM 616645.

Allele frequency attached by ClinVar (database versions not stated): TOPMed below 0.00001; gnomAD 0.00001.
gnomAD v4.1: 1 of 1,614,058 alleles (0.000062%); highest among the groups gnomAD compares: Non-Finnish European, 0.000085%; no homozygotes.

Submission:

Labcorp Genetics (formerly Invitae), Labcorp
Classification: Uncertain significance for Developmental and epileptic encephalopathy, 34. Last evaluated: 2018-11-01. Review status: criteria provided, single submitter. Criteria: Invitae Variant Classification Sherloc (09022015). Collection method: clinical testing. Allele origin: germline.
Comment: In summary, the available evidence is currently insufficient to determine the role of this variant in disease. Therefore, it has been classified as a Variant of Uncertain Significance. Algorithms developed to predict the effect of missense changes on protein structure and function (SIFT, PolyPhen-2, Align-GVGD) all suggest that this variant is likely to be tolerated, but these predictions have not been confirmed by published functional studies and their clinical significance is uncertain. This variant has not been reported in the literature in individuals with SLC12A5-related disease. This variant is not present in population databases (ExAC no frequency). This sequence change replaces aspartic acid with glycine at codon 962 of the SLC12A5 protein (p.Asp962Gly). The aspartic acid residue is moderately conserved and there is a moderate physicochemical difference between aspartic acid and glycine.